The following is an entry in ClinVar:

NM_014363.6(SACS):c.11637_11638del (p.Arg3879fs)

Gene: SACS (sacsin molecular chaperone; minus strand). Cytogenetic location: 13q12.12.
Variant type: Microsatellite.
Coding change: c.11637_11638del on transcript NM_014363.6 (MANE Select); coding-DNA positions 11637 to 11638, 2 bases deleted (AG; older notation c.11637_11638delAG).
Protein change: p.Arg3879fs; shifts the reading frame from arginine 3879.
Molecular consequence: frameshift variant.
Genome position (GRCh38, 1-based): chr13:23,332,238-23,332,239, CT deleted on the plus strand (AG on the coding strand, the reverse complement: SACS is on the minus strand); deleting any 2 consecutive bases within chr13:23,332,238-23,332,243 gives the same sequence; the c. name uses the placement nearest the transcript's 3' end. VCF-style (leftmost placement, unchanged base first): chr13-23332237-ACT-A. GRCh37 (hg19) VCF-style: chr13-23906376-ACT-A.
Other names: c.11196_11197del, p.Arg3732fs (NM_001278055.2); short protein forms R3732fs, R3879fs.
Identifiers: ClinVar variation 689784 (VCV000689784.2), dbSNP rs1593121924, ClinGen allele CA915946857.

ClinVar aggregate classification (germline): Pathogenic. Review status: criteria provided, multiple submitters, no conflicts (2 of 4 stars). 2 submissions from 2 submitters: Pathogenic (2). Last evaluated 2025-12-17.

Conditions:
Charlevoix-Saguenay spastic ataxia (SACS). Also called: SPASTIC ATAXIA 6, AUTOSOMAL RECESSIVE; AUTOSOMAL RECESSIVE SPASTIC ATAXIA OF CHARLEVOIX-SAGUENAY; Spastic ataxia of Charlevoix-Saguenay. Identifiers: Orphanet 98, MedGen C1849140, MONDO:0010041, OMIM 270550.

Submissions (2):

Myriad Genetics, Inc.
Classification: Pathogenic for Charlevoix-Saguenay spastic ataxia. Last evaluated: 2025-12-17. Review status: criteria provided, single submitter. Criteria: Myriad Autosomal Dominant, Autosomal Recessive and X-Linked Classification Criteria (2023). Collection method: clinical testing. Allele origin: unknown.
Comment: NM_014363.4(SACS):c.11637_11638delAG(R3879Sfs*12) is a frameshift variant classified as pathogenic in the context of autosomal recessive spastic ataxia of Charlevoix-Saguenay. R3879Sfs*12 has been observed in a case with relevant disease (PMID: 23699708, 24901346, 31216405). Relevant functional assessments of this variant are not available in the literature. R3879Sfs*12 has not been observed in referenced population frequency databases. In summary, NM_014363.4(SACS):c.11637_11638delAG(R3879Sfs*12) is a frameshift variant in a gene where loss of function is a known mechanism of disease, is predicted to disrupt protein function, and has been observed more frequently in cases with the relevant disease than in healthy populations. Please note: this variant was assessed in the context of healthy population screening.

Baylor Genetics
Classification: Pathogenic for Charlevoix-Saguenay spastic ataxia. Last evaluated: 2017-12-31. Review status: criteria provided, single submitter. Criteria: ACMG Guidelines, 2015. Collection method: clinical testing. Allele origin: germline. Affected: yes.

Literature cited by the submitters: PubMed 23699708 (cited by Myriad Genetics, Inc. and Baylor Genetics); PubMed 24901346 (cited by Myriad Genetics, Inc.); PubMed 31216405 (cited by Myriad Genetics, Inc.).